The following is an entry in ClinVar:

ClinVar aggregate classification (germline): Likely pathogenic (1 of 4 stars; one submission).

Conditions:
Becker muscular dystrophy (BMD). Also called: Becker Muscular Dystrophy (BMD); MUSCULAR DYSTROPHY, PSEUDOHYPERTROPHIC PROGRESSIVE, BECKER TYPE. Identifiers: Orphanet 98895, MedGen C0917713, MONDO:0010311, OMIM 300376.

Submission:

Genetics Department, Hospital De La Santa Creu I Sant Pau
Classification: Likely pathogenic for Becker muscular dystrophy. Last evaluated: 2024-11-13. Review status: criteria provided, single submitter. Criteria: ACMG Guidelines, 2015. Collection method: research, in vivo. Allele origin: unknown. Affected: yes. Functional consequence: splicing_variant.
Comment: Criteria applied: PVS1, PM2, PS3 (Richards et al, 2015)

NM_004006.3(DMD):c.5326-5219T>G

Gene: DMD (dystrophin; minus strand). Cytogenetic location: Xp21.1.
Variant type: single nucleotide variant.
Coding change: c.5326-5219T>G on transcript NM_004006.3 (MANE Select); 5219 bases into the intron before coding-DNA position 5326, T replaced by G.
Molecular consequence: intron variant.
Genome position (GRCh38, 1-based): chrX:32,353,747, A>C on the plus strand (T>G on the coding strand, the complement: DMD is on the minus strand). VCF-style: chrX-32353747-A-C. GRCh37 (hg19) VCF-style: chrX-32371864-A-C.
Other names: c.5302-5219T>G (NM_000109.4); c.1303-5219T>G (NM_004011.4); c.1294-5219T>G (NM_004012.4); c.5314-5219T>G (NM_004009.3); c.4957-5219T>G (NM_004010.3).
Identifiers: ClinVar variation 3573468 (VCV003573468.2).